The following is an entry in ClinVar:

ClinVar aggregate classification (germline): Uncertain significance. Review status: criteria provided, multiple submitters, no conflicts (2 of 4 stars). 2 submissions from 2 submitters: Uncertain significance (2). Last evaluated 2023-04-10.

Conditions:
Cardiovascular phenotype. Identifiers: MedGen CN230736.
Arrhythmogenic cardiomyopathy with wooly hair and keratoderma. Also called: PALMOPLANTAR KERATODERMA WITH LEFT VENTRICULAR CARDIOMYOPATHY AND WOOLLY HAIR; Carvajal syndrome; Dilated cardiomyopathy with woolly hair and keratoderma; Arrhythmogenic cardiomyopathy with woolly hair and keratoderma. Identifiers: Orphanet 65282, MedGen C1854063, MONDO:0011581, OMIM 605676.

Allele frequency attached by ClinVar (database versions not stated): gnomAD exomes below 0.00001; TOPMed 0.00003; ESP Exome Variant Server 0.00008.
gnomAD v4.1: 2 of 1,614,076 alleles (0.00012%); highest among the groups gnomAD compares: Non-Finnish European, 0.000085%; no homozygotes.

Submissions (2):

All of Us Research Program, National Institutes of Health
Classification: Uncertain significance for Arrhythmogenic cardiomyopathy with wooly hair and keratoderma. Last evaluated: 2023-04-10. Review status: criteria provided, single submitter. Criteria: ACMG Guidelines, 2015. Collection method: clinical testing. Allele origin: germline. Inheritance: Autosomal dominant inheritance. Observed: 1 variant allele, 1 heterozygote.
Comment: This missense variant replaces lysine with glutamic acid at codon 2091 of the DSP protein. Computational prediction suggests that this variant may not impact protein structure and function (internally defined REVEL score threshold <= 0.5, PMID: 27666373). To our knowledge, functional studies have not been reported for this variant. This variant has not been reported in individuals affected with DSP-related disorders in the literature. This variant has not been identified in the general population by the Genome Aggregation Database (gnomAD). The available evidence is insufficient to determine the role of this variant in disease conclusively. Therefore, this variant is classified as a Variant of Uncertain Significance.

This study involves interpretation of variants in research participants for the purpose of population health screening. Participant phenotype was not available at the time of variant classification. Additional details can be found in publication PMID: 35346344, PMCID: PMC8962531

Ambry Genetics
Classification: Uncertain significance for Cardiovascular phenotype. Last evaluated: 2021-06-22. Review status: criteria provided, single submitter. Criteria: Ambry Variant Classification Scheme 2023. Collection method: clinical testing. Allele origin: germline.
Comment: The p.K2091E variant (also known as c.6271A>G), located in coding exon 24 of the DSP gene, results from an A to G substitution at nucleotide position 6271. The lysine at codon 2091 is replaced by glutamic acid, an amino acid with similar properties. This amino acid position is conserved. In addition, this alteration is predicted to be tolerated by in silico analysis. Since supporting evidence is limited at this time, the clinical significance of this alteration remains unclear.

NM_004415.4(DSP):c.6271A>G (p.Lys2091Glu)

Gene: DSP (desmoplakin; plus strand). Cytogenetic location: 6p24.3.
Variant type: single nucleotide variant.
Coding change: c.6271A>G on transcript NM_004415.4 (MANE Select); coding-DNA position 6271, A replaced by G.
Protein change: p.Lys2091Glu; replaces lysine 2091 with glutamic acid.
Molecular consequence: missense variant.
Genome position (GRCh38, 1-based): chr6:7,583,533, A>G. VCF-style: chr6-7583533-A-G. GRCh37 (hg19) VCF-style: chr6-7583766-A-G.
Other names: c.4474A>G, p.Lys1492Glu (NM_001008844.3); c.4942A>G, p.Lys1648Glu (NM_001319034.2); short protein forms K1648E, K1492E, K2091E.
Identifiers: ClinVar variation 1752554 (VCV001752554.3), dbSNP rs367984272, ClinGen allele CA133974620.
Genomic context (GRCh38, chr6:7,583,533, plus strand): 5'-AGTGCCATAGCTCGGGACCTCATTGACTTCGATGACCGTCAGCAGATATATGCAGCAGAA[A>G]AAGCTATCACTGGTTTTGATGATCCATTTTCAGGCAAGACAGTATCTGTTTCAGAAGCCA-3'
Protein context (NP_004406.2, residues 2081-2101): DDRQQIYAAE[Lys2091Glu]AITGFDDPFS